The following is an entry in ClinVar:

NM_000215.4(JAK3):c.217C>G (p.Leu73Val)

Gene: JAK3 (Janus kinase 3; minus strand). Cytogenetic location: 19p13.11.
Variant type: single nucleotide variant.
Coding change: c.217C>G on transcript NM_000215.4 (MANE Select); coding-DNA position 217, C replaced by G.
Protein change: p.Leu73Val; replaces leucine 73 with valine.
Molecular consequence: missense variant.
Genome position (GRCh38, 1-based): chr19:17,843,868, G>C on the plus strand (C>G on the coding strand, the complement: JAK3 is on the minus strand). VCF-style: chr19-17843868-G-C. GRCh37 (hg19) VCF-style: chr19-17954677-G-C.
Other names: short protein forms L73V.
Identifiers: ClinVar variation 1475880 (VCV001475880.5), dbSNP rs2094245829, ClinGen allele CA404774678.
Genomic context (GRCh38, chr19:17,843,868, plus strand): 5'-CATCCTCCACGGAGAAGATGTGGCTCGGGGGGAACCAGCAGGACAGGTCCTCCGTGGCCA[G>C]AGCAAAGAGGGAGTGGTACACAGGCAGGATGCCTACAGGGGATGGTCCCATCAGCTCCCT-3'
Protein context (NP_000206.2, residues 63-83): ILPVYHSLFA[Leu73Val]ATEDLSCWFP

ClinVar aggregate classification (germline): Uncertain significance (1 of 4 stars; one submission).

Conditions:
T-B+ severe combined immunodeficiency due to JAK3 deficiency. Also called: SCID, autosomal recessive, T-negative/B-positive type; SCID, T CELL-NEGATIVE, B CELL-POSITIVE, NK CELL-NEGATIVE. Identifiers: Orphanet 35078, MedGen C1833275, MONDO:0010938, OMIM 600802.

Allele frequency attached by ClinVar (database versions not stated): gnomAD exomes below 0.00001; TOPMed below 0.00001; gnomAD 0.00001.
gnomAD v4.1: 3 of 1,613,570 alleles (0.00019%); highest among the groups gnomAD compares: Non-Finnish European, 0.00025%; no homozygotes.

Submission:

Labcorp Genetics (formerly Invitae), Labcorp
Classification: Uncertain significance for T-B+ severe combined immunodeficiency due to JAK3 deficiency. Last evaluated: 2021-09-24. Review status: criteria provided, single submitter. Criteria: Invitae Variant Classification Sherloc (09022015). Collection method: clinical testing. Allele origin: germline.
Comment: This sequence change replaces leucine with valine at codon 73 of the JAK3 protein (p.Leu73Val). The leucine residue is highly conserved and there is a small physicochemical difference between leucine and valine. This variant is not present in population databases (ExAC no frequency). This variant has not been reported in the literature in individuals with JAK3-related conditions. Advanced modeling of protein sequence and biophysical properties (such as structural, functional, and spatial information, amino acid conservation, physicochemical variation, residue mobility, and thermodynamic stability) performed at Invitae indicates that this missense variant is not expected to disrupt JAK3 protein function. In summary, the available evidence is currently insufficient to determine the role of this variant in disease. Therefore, it has been classified as a Variant of Uncertain Significance.